The following is an entry in ClinVar:

ClinVar aggregate classification (germline): Pathogenic (1 of 4 stars; one submission).

Conditions:
Congenital lactic acidosis, Saguenay-Lac-Saint-Jean type (MC4DN5). Also called: CYTOCHROME c OXIDASE DEFICIENCY, FRENCH CANADIAN TYPE; COX DEFICIENCY, FRENCH CANADIAN TYPE; MITOCHONDRIAL COMPLEX IV DEFICIENCY, NUCLEAR TYPE 5. Identifiers: Orphanet 70472, MedGen C1857355, MONDO:0009069, OMIM 220111.

Submission:

Myriad Genetics, Inc.
Classification: Pathogenic for Congenital lactic acidosis, Saguenay-Lac-Saint-Jean type. Last evaluated: 2023-08-19. Review status: criteria provided, single submitter. Criteria: Myriad Autosomal Dominant, Autosomal Recessive and X-Linked Classification Criteria (2023). Collection method: clinical testing. Allele origin: unknown.
Comment: NM_133259.3(LRPPRC):c.628_632del5ins1(V210Qfs*13) is expected to be pathogenic in the context of Leigh syndrome, French-Canadian type. This variant is predicted to lead to an abnormal or absent protein product due to the creation of a premature termination codon in LRPPRC, a gene where loss-of-function variants are known to be pathogenic. Please note: this variant was assessed in the context of healthy population screening.

NM_133259.4(LRPPRC):c.628_632delinsC (p.Val210fs)

Gene: LRPPRC (leucine rich pentatricopeptide repeat containing; minus strand). Cytogenetic location: 2p21.
Variant type: Indel.
Coding change: c.628_632delinsC on transcript NM_133259.4 (MANE Select); coding-DNA positions 628 to 632, GTAGG replaced by C.
Protein change: p.Val210fs; shifts the reading frame from valine 210.
Molecular consequence: frameshift variant.
Genome position (GRCh38, 1-based): chr2:43,977,012-43,977,016, CCTAC replaced by G on the plus strand (GTAGG replaced by C on the coding strand, the reverse complement: LRPPRC is on the minus strand). VCF-style: chr2-43977012-CCTAC-G. GRCh37 (hg19) VCF-style: chr2-44204151-CCTAC-G.
Other names: short protein forms V210fs.
Identifiers: ClinVar variation 5011397 (VCV005011397.1).
Genomic context (GRCh38, chr2:43,977,012, plus strand): 5'-GTACAAATTTGTTCGCTTAAACATGTTCATACAGATCCATACCTGGCACCTTCAATATCT[CCTAC>G]ATTACAATAAGAAGCAATCAATCTCTGGTATGTCACCTGTCAATGAAATGGGCCAGTTAA-3'